The following is an entry in ClinVar:

ClinVar aggregate classification (germline): Uncertain significance (1 of 4 stars; one submission).

Conditions:
BAP1-related tumor predisposition syndrome (TPDS1). Also called: COMMON Syndrome; Tumor susceptibility linked to germline BAP1 mutations; BAP1 tumor predisposition syndrome; TUMOR PREDISPOSITION SYNDROME 1. Identifiers: Orphanet 289539, MedGen C3280492, MONDO:0013692, OMIM 614327.

Allele frequency attached by ClinVar (database versions not stated): gnomAD exomes below 0.00001.
gnomAD v4.1: 1 of 1,614,014 alleles (0.000062%); highest among the groups gnomAD compares: Non-Finnish European, 0.000085%; no homozygotes.

Submission:

Labcorp Genetics (formerly Invitae), Labcorp
Classification: Uncertain significance for BAP1-related tumor predisposition syndrome. Last evaluated: 2019-10-30. Review status: criteria provided, single submitter. Criteria: Invitae Variant Classification Sherloc (09022015). Collection method: clinical testing. Allele origin: germline.
Comment: Algorithms developed to predict the effect of missense changes on protein structure and function do not agree on the potential impact of this missense change (SIFT: "Deleterious"; PolyPhen-2: "Benign"; Align-GVGD: "Class C0"). In summary, the available evidence is currently insufficient to determine the role of this variant in disease. Therefore, it has been classified as a Variant of Uncertain Significance. This variant has not been reported in the literature in individuals with BAP1-related disease. This sequence change replaces leucine with phenylalanine at codon 14 of the BAP1 protein (p.Leu14Phe). The leucine residue is highly conserved and there is a small physicochemical difference between leucine and phenylalanine. This variant is not present in population databases (ExAC no frequency).

NM_004656.4(BAP1):c.40C>T (p.Leu14Phe)

Gene: BAP1 (BRCA1 associated deubiquitinase 1; minus strand). Cytogenetic location: 3p21.1.
Variant type: single nucleotide variant.
Coding change: c.40C>T on transcript NM_004656.4 (MANE Select); coding-DNA position 40, C replaced by T.
Protein change: p.Leu14Phe; replaces leucine 14 with phenylalanine.
Molecular consequence: missense variant.
Genome position (GRCh38, 1-based): chr3:52,409,741, G>A on the plus strand (C>T on the coding strand, the complement: BAP1 is on the minus strand). VCF-style: chr3-52409741-G-A. GRCh37 (hg19) VCF-style: chr3-52443757-G-A.
Other names: short protein forms L14F.
Identifiers: ClinVar variation 539904 (VCV000539904.6), dbSNP rs1208026193, ClinGen allele CA353114984.
Genomic context (GRCh38, chr3:52,409,741, plus strand): 5'-AGCCCCGGTCCGGCAGGGAGAAAAGGCTCTTACCGAAATCTTCCACGAGCAGGGTGAAGA[G>A]GCCTGGGTGGGGCGACAAGAGGAGGGGGTGATGGTCAGGCAGGCGCGTCCCGGGCCCATC-3'
Protein context (NP_004647.1, residues 4-24): GWLELESDPG[Leu14Phe]FTLLVEDFGV